The following is an entry in ClinVar:

ClinVar aggregate classification (germline): Uncertain significance (1 of 4 stars; one submission).

Conditions:
Hereditary cancer-predisposing syndrome. Also called: Neoplastic Syndromes, Hereditary; Tumor predisposition; Hereditary neoplastic syndrome; Hereditary Cancer Syndrome. Identifiers: Orphanet 140162, MedGen C0027672, MeSH D009386, MONDO:0015356.

Submission:

Ambry Genetics
Classification: Uncertain significance for Hereditary cancer-predisposing syndrome. Last evaluated: 2023-12-04. Review status: criteria provided, single submitter. Criteria: Ambry Variant Classification Scheme 2023. Collection method: clinical testing. Allele origin: germline.
Comment: The p.S360G variant (also known as c.1078A>G), located in coding exon 11 of the RB1 gene, results from an A to G substitution at nucleotide position 1078. The serine at codon 360 is replaced by glycine, an amino acid with similar properties. This amino acid position is conserved. In addition, this alteration is predicted to be tolerated by in silico analysis. Since supporting evidence is limited at this time, the clinical significance of this alteration remains unclear.

NM_000321.3(RB1):c.1078A>G (p.Ser360Gly)

Gene: RB1 (RB transcriptional corepressor 1; plus strand). Cytogenetic location: 13q14.2.
Variant type: single nucleotide variant.
Coding change: c.1078A>G on transcript NM_000321.3 (MANE Select); coding-DNA position 1078, A replaced by G.
Protein change: p.Ser360Gly; replaces serine 360 with glycine.
Molecular consequence: missense variant.
Genome position (GRCh38, 1-based): chr13:48,368,555, A>G. VCF-style: chr13-48368555-A-G. GRCh37 (hg19) VCF-style: chr13-48942691-A-G.
Other names: c.1078A>G, p.Ser360Gly (NM_001407165.1, NM_001407166.1); short protein forms S360G.
Identifiers: ClinVar variation 3231179 (VCV003231179.1), dbSNP rs1593449010, ClinGen allele CA388161173.